The following is an entry in ClinVar:

NM_000051.4(ATM):c.2526T>C (p.Thr842=)

Gene: ATM (ATM serine/threonine kinase; plus strand). Cytogenetic location: 11q22.3.
Variant type: single nucleotide variant.
Coding change: c.2526T>C on transcript NM_000051.4 (MANE Select); coding-DNA position 2526, T replaced by C.
Protein change: p.Thr842=; no amino-acid change (threonine 842 retained).
Molecular consequence: synonymous variant.
Genome position (GRCh38, 1-based): chr11:108,267,230, T>C. VCF-style: chr11-108267230-T-C. GRCh37 (hg19) VCF-style: chr11-108137957-T-C.
Other names: c.2526T>C, p.Thr842= (NM_001351834.2).
Identifiers: ClinVar variation 630767 (VCV000630767.6), dbSNP rs1565416272, ClinGen allele CA476673551.
Genomic context (GRCh38, chr11:108,267,230, plus strand): 5'-GGCATCCTTCATCAAAAAGCCATTTGACCGTGGAGAAGTAGAATCAATGGAAGATGATAC[T>C]AATGGAAATCTAATGGAGGTGGAGGATCAGTCATCCATGAATCTATTTAACGATTACCCT-3'
Protein context (NP_000042.3, residues 832-852): RGEVESMEDD[Thr842=]NGNLMEVEDQ

ClinVar aggregate classification (germline): Benign/Likely benign. Review status: criteria provided, multiple submitters, no conflicts (2 of 4 stars). 4 submissions from 4 submitters: Benign (1); Likely benign (3). Last evaluated 2025-03-31.

Conditions:
Ataxia-telangiectasia syndrome (AT). Also called: Ataxia-telangiectasia, complementation group D; AT, COMPLEMENTATION GROUP C; Ataxia-telangiectasia; ATAXIA-TELANGIECTASIA, COMPLEMENTATION GROUP A; ATAXIA-TELANGIECTASIA, FRESNO VARIANT; LOUIS-BAR SYNDROME. Identifiers: Orphanet 100, MedGen C0004135, MONDO:0008840, OMIM 208900.
Hereditary cancer-predisposing syndrome. Also called: Hereditary Cancer Syndrome; Neoplastic Syndromes, Hereditary; Tumor predisposition; Hereditary neoplastic syndrome. Identifiers: Orphanet 140162, MedGen C0027672, MeSH D009386, MONDO:0015356.
Familial cancer of breast. Also called: BREAST CANCER, FAMILIAL; hereditary breast carcinoma; Hereditary breast cancer. Identifiers: Orphanet 227535, MedGen C0346153, MONDO:0016419, OMIM 114480. Disease mechanism: loss of function.

Submissions (4):

Labcorp Genetics (formerly Invitae), Labcorp
Classification: Likely benign for Ataxia-telangiectasia syndrome. Last evaluated: 2025-03-31. Review status: criteria provided, single submitter. Criteria: Invitae Variant Classification Sherloc (09022015). Collection method: clinical testing. Allele origin: germline.

Myriad Genetics, Inc.
Classification: Benign for Familial cancer of breast. Last evaluated: 2024-05-09. Review status: criteria provided, single submitter. Criteria: Myriad Autosomal Dominant, Autosomal Recessive and X-Linked Classification Criteria (2023). Collection method: clinical testing. Allele origin: unknown.
Comment: This variant is considered benign. This variant is a silent/synonymous amino acid change and it is not expected to impact splicing.

Ambry Genetics
Classification: Likely benign for Hereditary cancer-predisposing syndrome. Last evaluated: 2022-03-06. Review status: criteria provided, single submitter. Criteria: Ambry Variant Classification Scheme 2023. Collection method: clinical testing. Allele origin: germline.

Color Diagnostics, LLC DBA Color Health
Classification: Likely benign for Hereditary cancer-predisposing syndrome. Last evaluated: 2017-11-10. Review status: criteria provided, single submitter. Criteria: ACMG Guidelines, 2015. Collection method: clinical testing. Allele origin: germline.